The following is an entry in ClinVar:

NM_001161352.2(KCNMA1):c.2089C>T (p.Arg697Trp)

Gene: KCNMA1 (potassium calcium-activated channel subfamily M alpha 1; minus strand). Cytogenetic location: 10q22.3.
Variant type: single nucleotide variant.
Coding change: c.2089C>T on transcript NM_001161352.2 (MANE Select); coding-DNA position 2089, C replaced by T.
Protein change: p.Arg697Trp; replaces arginine 697 with tryptophan.
Molecular consequence: missense variant.
Genome position (GRCh38, 1-based): chr10:77,011,970, G>A on the plus strand (C>T on the coding strand, the complement: KCNMA1 is on the minus strand). VCF-style: chr10-77011970-G-A. GRCh37 (hg19) VCF-style: chr10-78771728-G-A.
Other names: c.2089C>T (NM_002247.3); c.2101C>T, p.Arg701Trp (NM_001014797.3, NM_001322830.2, NM_001322835.2 and 1 more transcripts); c.2089C>T, p.Arg697Trp (NM_001161353.2, NM_001271519.2, NM_001322829.2 and 3 more transcripts); c.1939C>T, p.Arg647Trp (NM_001271518.2); c.1549C>T, p.Arg517Trp (NM_001322838.2); short protein forms R517W, R647W, R697W, R701W.
Identifiers: ClinVar variation 1008876 (VCV001008876.10), dbSNP rs202188493, ClinGen allele CA5568228.

ClinVar aggregate classification (germline): Uncertain significance. Review status: criteria provided, multiple submitters, no conflicts (2 of 4 stars). 4 submissions from 4 submitters: Uncertain significance (4). Last evaluated 2025-09-24.

Conditions:
Cerebellar atrophy, developmental delay, and seizures. Identifiers: MedGen C4539985, MONDO:0060551, OMIM 617643.
Liang-Wang syndrome. Identifiers: Orphanet 664438, MedGen C5231479, MONDO:0032886, OMIM 618729.
Generalized epilepsy-paroxysmal dyskinesia syndrome (PNKD3). Also called: Generalized epilepsy and paroxysmal dyskinesia; Paroxysmal nonkinesigenic dyskinesia, 3, with or without generalized epilepsy. Identifiers: Orphanet 79137, MedGen C5574945, MONDO:0012276, OMIM 609446.
Epilepsy, idiopathic generalized, susceptibility to, 16. Identifiers: MedGen C5231421, MONDO:0032827, OMIM 618596.
Inborn genetic diseases. Identifiers: MedGen C0950123, MeSH D030342.

Allele frequency attached by ClinVar (database versions not stated): ExAC 0.00001; gnomAD 0.00001 and 0.00002; gnomAD exomes 0.00002; TOPMed 0.00002; ESP Exome Variant Server 0.00008.
gnomAD v4.1: 27 of 1,613,502 alleles (0.0017%); highest among the groups gnomAD compares: Admixed American, 0.0017%; no homozygotes.

Submissions (4):

Labcorp Genetics (formerly Invitae), Labcorp
Classification: Uncertain significance for Generalized epilepsy-paroxysmal dyskinesia syndrome. Last evaluated: 2025-09-24. Review status: criteria provided, single submitter. Criteria: Invitae Variant Classification Sherloc (09022015). Collection method: clinical testing. Allele origin: germline.
Comment: This sequence change replaces arginine, which is basic and polar, with tryptophan, which is neutral and slightly polar, at codon 697 of the KCNMA1 protein (p.Arg697Trp). This variant is present in population databases (rs202188493, gnomAD 0.04%). This variant has not been reported in the literature in individuals affected with KCNMA1-related conditions. ClinVar contains an entry for this variant (Variation ID: 1008876). Invitae Evidence Modeling of protein sequence and biophysical properties (such as structural, functional, and spatial information, amino acid conservation, physicochemical variation, residue mobility, and thermodynamic stability) has been performed for this missense variant. However, the output from this modeling did not meet the statistical confidence thresholds required to predict the impact of this variant on KCNMA1 protein function. In summary, the available evidence is currently insufficient to determine the role of this variant in disease. Therefore, it has been classified as a Variant of Uncertain Significance.

Ambry Genetics
Classification: Uncertain significance for Inborn genetic diseases. Last evaluated: 2025-06-19. Review status: criteria provided, single submitter. Criteria: Ambry Variant Classification Scheme 2023. Collection method: clinical testing. Allele origin: germline.

GeneDx
Classification: Uncertain significance. Last evaluated: 2025-01-25. Review status: criteria provided, single submitter. Criteria: GeneDx Variant Classification Process June 2021. Collection method: clinical testing. Allele origin: germline. Affected: yes.
Comment: In silico analysis supports that this missense variant has a deleterious effect on protein structure/function; Has not been previously published as pathogenic or benign to our knowledge

Fulgent Genetics
Classification: Uncertain significance for Generalized epilepsy-paroxysmal dyskinesia syndrome; Cerebellar atrophy, developmental delay, and seizures; Epilepsy, idiopathic generalized, susceptibility to, 16; Liang-Wang syndrome. Last evaluated: 2021-11-08. Review status: criteria provided, single submitter. Criteria: ACMG Guidelines, 2015. Collection method: clinical testing. Allele origin: unknown.